The following is an entry in ClinVar:

ClinVar aggregate classification (germline): Likely benign. Review status: criteria provided, multiple submitters, no conflicts (2 of 4 stars). 3 submissions from 3 submitters: Likely benign (3). Last evaluated 2026-02-01.

Allele frequency attached by ClinVar (database versions not stated): ESP Exome Variant Server 0.00008; ExAC 0.00012; gnomAD 0.00014 and 0.00015; TOPMed 0.00016; 1000 Genomes Project 0.00020; 1000 Genomes Project 30x 0.00031.
gnomAD v4.1: 99 of 1,613,792 alleles (0.0061%); highest among the groups gnomAD compares: African/African-American, 0.041%; no homozygotes.

Submissions (3):

CeGaT Center for Human Genetics Tuebingen
Classification: Likely benign. Last evaluated: 2026-02-01. Review status: criteria provided, single submitter. Criteria: CeGaT Center For Human Genetics Tuebingen Variant Classification Criteria Version 2. Collection method: clinical testing. Allele origin: germline. Affected: yes. Observed: 1 variant allele.
Comment: TPRN: BP4, BP7

Labcorp Genetics (formerly Invitae), Labcorp
Classification: Likely benign. Last evaluated: 2023-12-28. Review status: criteria provided, single submitter. Criteria: Invitae Variant Classification Sherloc (09022015). Collection method: clinical testing. Allele origin: germline.

Laboratory for Molecular Medicine, Mass General Brigham Personalized Medicine
Classification: Likely benign. Last evaluated: 2012-04-30. Review status: criteria provided, single submitter. Criteria: LMM Criteria. Collection method: clinical testing. Allele origin: germline. Observed: 1 variant allele.
Comment: Asn581Asn in Exon 02 of TPRN: This variant is not expected to have clinical sign ificance because it does not alter an amino acid residue, is not located within the splice consensus sequence, and has been identified in 1/3738 African America n chromosomes from a broad population by the NHLBI Exome Sequencing Project (dbSNP rs146518581).

NM_001128228.3(TPRN):c.1743C>T (p.Asn581=)

Gene: TPRN (taperin; minus strand). Cytogenetic location: 9q34.3.
Variant type: single nucleotide variant.
Coding change: c.1743C>T on transcript NM_001128228.3 (MANE Select); coding-DNA position 1743, C replaced by T.
Protein change: p.Asn581=; no amino-acid change (asparagine 581 retained).
Molecular consequence: synonymous variant.
Genome position (GRCh38, 1-based): chr9:137,192,674, G>A on the plus strand (C>T on the coding strand, the complement: TPRN is on the minus strand). VCF-style: chr9-137192674-G-A. GRCh37 (hg19) VCF-style: chr9-140087126-G-A.
Identifiers: ClinVar variation 178552 (VCV000178552.12), dbSNP rs146518581, ClinGen allele CA182542.
Genomic context (GRCh38, chr9:137,192,674, plus strand): 5'-TTCCTCCTGCTCTAGGGAGCTCTCGGAAGGGTACTCAAATGTGGTCTGCAGGCTTTTGTC[G>A]TTGAAGGAGATCTTCATCTGGGAGTGAGAGTCACGTGAACGAGGGCTGAGGGCCCACATG-3'
Protein context (NP_001121700.2, residues 571-591): SSRKKMKISF[Asn581=]DKSLQTTFEY